The following is an entry in ClinVar:

ClinVar aggregate classification (germline): Uncertain significance (1 of 4 stars; one submission).

Conditions:
Cardiovascular phenotype. Identifiers: MedGen CN230736.

Submission:

Ambry Genetics
Classification: Uncertain significance for Cardiovascular phenotype. Last evaluated: 2025-04-14. Review status: criteria provided, single submitter. Criteria: Ambry Variant Classification Scheme 2023. Collection method: clinical testing. Allele origin: germline.
Comment: The p.K26E variant (also known as c.76A>G), located in coding exon 1 of the SHOC2 gene, results from an A to G substitution at nucleotide position 76. The lysine at codon 26 is replaced by glutamic acid, an amino acid with similar properties. This amino acid position is conserved. In addition, this alteration is predicted to be deleterious by in silico analysis. Based on the available evidence, the clinical significance of this variant remains unclear.

NM_007373.4(SHOC2):c.76A>G (p.Lys26Glu)

Gene: SHOC2 (SHOC2 leucine rich repeat scaffold protein; plus strand). Cytogenetic location: 10q25.2.
Variant type: single nucleotide variant.
Coding change: c.76A>G on transcript NM_007373.4 (MANE Select); coding-DNA position 76, A replaced by G.
Protein change: p.Lys26Glu; replaces lysine 26 with glutamic acid.
Molecular consequence: missense variant.
Genome position (GRCh38, 1-based): chr10:110,964,434, A>G. VCF-style: chr10-110964434-A-G. GRCh37 (hg19) VCF-style: chr10-112724192-A-G.
Other names: c.76A>G, p.Lys26Glu (NM_001269039.3, NM_001324336.2, NM_001324337.2); short protein forms K26E.
Identifiers: ClinVar variation 3954161 (VCV003954161.1).